The following is an entry in ClinVar:

NM_001010892.3(RSPH4A):c.35A>T (p.Glu12Val)

Gene: RSPH4A (radial spoke head component 4A; plus strand). Cytogenetic location: 6q22.1.
Variant type: single nucleotide variant.
Coding change: c.35A>T on transcript NM_001010892.3 (MANE Select); coding-DNA position 35, A replaced by T.
Protein change: p.Glu12Val; replaces glutamic acid 12 with valine.
Molecular consequence: missense variant.
Genome position (GRCh38, 1-based): chr6:116,616,658, A>T. VCF-style: chr6-116616658-A-T. GRCh37 (hg19) VCF-style: chr6-116937821-A-T.
Other names: c.35A>T, p.Glu12Val (NM_001161664.2); short protein forms E12V.
Identifiers: ClinVar variation 1480505 (VCV001480505.9), dbSNP rs377656819, ClinGen allele CA3970689.

ClinVar aggregate classification (germline): Uncertain significance. Review status: criteria provided, multiple submitters, no conflicts (2 of 4 stars). 2 submissions from 2 submitters: Uncertain significance (2). Last evaluated 2025-07-28.

Conditions:
Primary ciliary dyskinesia. Also called: Ciliary dyskinesia. Identifiers: Orphanet 244, MedGen C0008780, MONDO:0016575, HP:0012265.

Allele frequency attached by ClinVar (database versions not stated): gnomAD exomes 0.00002 and 0.00003; ExAC 0.00003; gnomAD 0.00004; TOPMed 0.00005; ESP Exome Variant Server 0.00008.
gnomAD v4.1: 51 of 1,614,014 alleles (0.0032%); highest among the groups gnomAD compares: Admixed American, 0.005%; no homozygotes.

Submissions (2):

Ambry Genetics
Classification: Uncertain significance for Primary ciliary dyskinesia. Last evaluated: 2025-07-28. Review status: criteria provided, single submitter. Criteria: Ambry Variant Classification Scheme 2023. Collection method: clinical testing. Allele origin: germline.
Comment: The p.E12V variant (also known as c.35A>T), located in coding exon 1 of the RSPH4A gene, results from an A to T substitution at nucleotide position 35. The glutamic acid at codon 12 is replaced by valine, an amino acid with dissimilar properties. This amino acid position is not well conserved on limited sequence alignment. In addition, this alteration is predicted to be tolerated by in silico analysis. Since supporting evidence is limited at this time, the clinical significance of this alteration remains unclear.

Labcorp Genetics (formerly Invitae), Labcorp
Classification: Uncertain significance for Primary ciliary dyskinesia. Last evaluated: 2022-06-28. Review status: criteria provided, single submitter. Criteria: Invitae Variant Classification Sherloc (09022015). Collection method: clinical testing. Allele origin: germline.
Comment: This sequence change replaces glutamic acid, which is acidic and polar, with valine, which is neutral and non-polar, at codon 12 of the RSPH4A protein (p.Glu12Val). This variant is present in population databases (rs377656819, gnomAD 0.006%). This variant has not been reported in the literature in individuals affected with RSPH4A-related conditions. Algorithms developed to predict the effect of missense changes on protein structure and function are either unavailable or do not agree on the potential impact of this missense change (SIFT: "Deleterious"; PolyPhen-2: "Benign"; Align-GVGD: "Class C0"). Algorithms developed to predict the effect of sequence changes on RNA splicing suggest that this variant may create or strengthen a splice site. In summary, the available evidence is currently insufficient to determine the role of this variant in disease. Therefore, it has been classified as a Variant of Uncertain Significance.